The following is an entry in ClinVar:

ClinVar aggregate classification (germline): Uncertain significance. Review status: criteria provided, multiple submitters, no conflicts (2 of 4 stars). 2 submissions from 2 submitters: Uncertain significance (2). Last evaluated 2025-04-06.

Allele frequency attached by ClinVar (database versions not stated): ExAC 0.00003; gnomAD 0.00003; gnomAD exomes 0.00003; TOPMed 0.00004.
gnomAD v4.1: 72 of 1,579,208 alleles (0.0046%); highest among the groups gnomAD compares: East Asian, 0.0069%; no homozygotes.

Submissions (2):

Ambry Genetics
Classification: Uncertain significance. Last evaluated: 2025-04-06. Review status: criteria provided, single submitter. Criteria: Ambry Variant Classification Scheme 2023. Collection method: clinical testing. Allele origin: germline.

Labcorp Genetics (formerly Invitae), Labcorp
Classification: Uncertain significance. Last evaluated: 2022-07-06. Review status: criteria provided, single submitter. Criteria: Invitae Variant Classification Sherloc (09022015). Collection method: clinical testing. Allele origin: germline.
Comment: In summary, the available evidence is currently insufficient to determine the role of this variant in disease. Therefore, it has been classified as a Variant of Uncertain Significance. Algorithms developed to predict the effect of missense changes on protein structure and function (SIFT, PolyPhen-2, Align-GVGD) all suggest that this variant is likely to be tolerated. ClinVar contains an entry for this variant (Variation ID: 1413252). This variant has not been reported in the literature in individuals affected with ESR2-related conditions. This variant is present in population databases (rs760419460, gnomAD 0.01%). This sequence change replaces glycine, which is neutral and non-polar, with aspartic acid, which is acidic and polar, at codon 243 of the ESR2 protein (p.Gly243Asp).

NM_001437.3(ESR2):c.728G>A (p.Gly243Asp)

Gene: ESR2 (estrogen receptor 2; minus strand). Cytogenetic location: 14q23.2.
Variant type: single nucleotide variant.
Coding change: c.728G>A on transcript NM_001437.3 (MANE Select); coding-DNA position 728, G replaced by A.
Protein change: p.Gly243Asp; replaces glycine 243 with aspartic acid.
Molecular consequence: missense variant. On other transcripts: non-coding transcript variant (2).
Genome position (GRCh38, 1-based): chr14:64,260,673, C>T on the plus strand (G>A on the coding strand, the complement: ESR2 is on the minus strand). VCF-style: chr14-64260673-C-T. GRCh37 (hg19) VCF-style: chr14-64727391-C-T.
Other names: c.728G>A (NM_001437.2); c.728G>A, p.Gly243Asp (NM_001040275.1, NM_001214902.1, NM_001271876.1 and 3 more transcripts); short protein forms G243D.
Identifiers: ClinVar variation 1413252 (VCV001413252.9), dbSNP rs760419460, ClinGen allele CA7225470.